The following is an entry in ClinVar:

ClinVar aggregate classification (germline): Uncertain significance (1 of 4 stars; one submission).

Submission:

GeneDx
Classification: Uncertain significance. Last evaluated: 2025-03-13. Review status: criteria provided, single submitter. Criteria: GeneDx Variant Classification Process June 2021. Collection method: clinical testing. Allele origin: germline. Affected: yes.
Comment: Not observed at significant frequency in large population cohorts (gnomAD); In silico analysis supports that this missense variant has a deleterious effect on protein structure/function; Has not been previously published as pathogenic or benign to our knowledge

NM_001042750.2(STAG2):c.343C>G (p.Leu115Val)

Gene: STAG2 (STAG2 cohesin complex component; plus strand). Cytogenetic location: Xq25.
Variant type: single nucleotide variant.
Coding change: c.343C>G on transcript NM_001042750.2 (MANE Select); coding-DNA position 343, C replaced by G.
Protein change: p.Leu115Val; replaces leucine 115 with valine.
Molecular consequence: missense variant.
Genome position (GRCh38, 1-based): chrX:124,037,581, C>G. VCF-style: chrX-124037581-C-G. GRCh37 (hg19) VCF-style: chrX-123171431-C-G.
Other names: c.343C>G, p.Leu115Val (NM_001042749.2, NM_001042751.2, NM_001282418.2 and 23 more transcripts); short protein forms L115V.
Identifiers: ClinVar variation 4082847 (VCV004082847.1).
Genomic context (GRCh38, chrX:124,037,581, plus strand): 5'-CTGTAGTCGGTGGTAGATGATTGGATAGAATCATACAAGCATGACCGAGATATAGCACTT[C>G]TTGACCTTATCAACTTTTTTATTCAGTGTTCAGGCTGTAAAGGTAAGATATATTTATTTT-3'
Protein context (NP_001036215.1, residues 105-125): SYKHDRDIAL[Leu115Val]DLINFFIQCS